The following is an entry in ClinVar:

ClinVar aggregate classification (germline): Benign/Likely benign. Review status: criteria provided, multiple submitters, no conflicts (2 of 4 stars). 12 submissions from 11 submitters: Benign (5); Likely benign (6). 1 of the submissions does not count toward it. Last evaluated 2026-03-01.

Conditions:
Ehlers-Danlos syndrome, classic type, 1 (EDSCL1). Also called: EHLERS-DANLOS SYNDROME, GRAVIS TYPE; EHLERS-DANLOS SYNDROME, SEVERE CLASSIC TYPE; Ehlers-Danlos syndrome, type 1; Ehlers-Danlos Syndrome, Classic Type, COL5A1-Related; EDS I. Identifiers: MedGen C0268335, MONDO:0019567, OMIM 130000.
Fibromuscular dysplasia, multifocal. Identifiers: MedGen C5543412, MONDO:0859151, OMIM 619329.
Ehlers-Danlos syndrome, classic type (cEDS). Identifiers: Orphanet 287, MedGen C4225429, MONDO:0007522.
COL5A1-related disorder. Also called: COL5A1-related condition.
Familial thoracic aortic aneurysm and aortic dissection (TAAD). Also called: Thoracic aortic aneurysms and dissections. Identifiers: Orphanet 91387, MedGen C4707243, MONDO:0019625.

Allele frequency attached by ClinVar (database versions not stated): gnomAD exomes 0.00015 and 0.00039; ExAC 0.00054; gnomAD 0.00152 and 0.00162; TOPMed 0.00164; ESP Exome Variant Server 0.00169; 1000 Genomes Project 30x 0.00203; 1000 Genomes Project 0.00220.
gnomAD v4.1: 466 of 1,613,810 alleles (0.029%); highest among the groups gnomAD compares: African/African-American, 0.47%; 2 homozygotes.

Submissions (12):

CeGaT Center for Human Genetics Tuebingen
Classification: Likely benign. Last evaluated: 2026-03-01. Review status: criteria provided, single submitter. Criteria: CeGaT Center For Human Genetics Tuebingen Variant Classification Criteria Version 2. Collection method: clinical testing. Allele origin: germline. Affected: yes. Observed: 1 variant allele.
Comment: COL5A1: BS1

Labcorp Genetics (formerly Invitae), Labcorp
Classification: Benign for Ehlers-Danlos syndrome, classic type, 1. Last evaluated: 2026-01-27. Review status: criteria provided, single submitter. Criteria: Invitae Variant Classification Sherloc (09022015). Collection method: clinical testing. Allele origin: germline.

Mayo Clinic Laboratories, Mayo Clinic
Classification: Likely benign. Last evaluated: 2025-02-14. Review status: criteria provided, single submitter. Criteria: ACMG Guidelines, 2015. Collection method: clinical testing. Allele origin: germline. Observed: 2 variant alleles.
Comment: BS1

Women's Health and Genetics/Laboratory Corporation of America, LabCorp
Classification: Likely benign. Last evaluated: 2024-04-08. Review status: criteria provided, single submitter. Criteria: LabCorp Variant Classification Summary - May 2015. Collection method: clinical testing. Allele origin: germline.

Blueprint Genetics
Classification: Likely benign. Last evaluated: 2023-04-26. Review status: criteria provided, single submitter. Criteria: ACMG Guidelines, 2015. Collection method: clinical testing. Allele origin: germline.

Genome-Nilou Lab
Classification: Benign for Ehlers-Danlos syndrome, classic type, 1. Last evaluated: 2022-03-15. Review status: criteria provided, single submitter. Criteria: ACMG Guidelines, 2015. Collection method: clinical testing. Allele origin: germline. Affected: no.

Genome-Nilou Lab
Classification: Benign for Fibromuscular dysplasia, multifocal. Last evaluated: 2022-03-15. Review status: criteria provided, single submitter. Criteria: ACMG Guidelines, 2015. Collection method: clinical testing. Allele origin: germline. Affected: no.

GeneDx
Classification: Likely benign. Last evaluated: 2021-04-21. Review status: criteria provided, single submitter. Criteria: GeneDx Variant Classification Process June 2021. Collection method: clinical testing. Allele origin: germline. Affected: yes.
Comment: This variant is associated with the following publications: (PMID: 28346524)

Illumina Laboratory Services, Illumina
Classification: Benign for Ehlers-Danlos syndrome, classic type, 1. Last evaluated: 2018-01-12. Review status: criteria provided, single submitter. Criteria: ICSL Variant Classification Criteria 13 December 2019. Collection method: clinical testing. Allele origin: germline.
Comment: This variant was observed in the ICSL laboratory as part of a predisposition screen in an ostensibly healthy population. It had not been previously curated by ICSL or reported in the Human Gene Mutation Database (HGMD: prior to June 1st, 2018), and was therefore a candidate for classification through an automated scoring system. Utilizing variant allele frequency, disease prevalence and penetrance estimates, and inheritance mode, an automated score was calculated to assess if this variant is too frequent to cause the disease. Based on the score and internal cut-off values, a variant classified as benign is not then subjected to further curation. The score for this variant resulted in a classification of benign for this disease.

Eurofins Ntd Llc (ga)
Classification: Likely benign. Last evaluated: 2015-11-22. Review status: criteria provided, single submitter. Criteria: EGL Classification Definitions 2015. Collection method: clinical testing. Allele origin: germline. Observed: 1 variant allele, 1 heterozygote.

Ambry Genetics
Classification: Benign for Familial thoracic aortic aneurysm and aortic dissection. Last evaluated: 2015-09-22. Review status: criteria provided, single submitter. Criteria: Ambry Variant Classification Scheme 2023. Collection method: clinical testing. Allele origin: germline.

PreventionGenetics, part of Exact Sciences
Classification: Benign for COL5A1-related condition. Last evaluated: 2019-04-25. Review status: no assertion criteria provided. Collection method: clinical testing. Allele origin: germline. Not counted in ClinVar's aggregate classification.
Comment: This variant is classified as benign based on ACMG/AMP sequence variant interpretation guidelines (Richards et al. 2015 PMID: 25741868, with internal and published modifications).

NM_000093.5(COL5A1):c.194G>A (p.Arg65Gln)

Gene: COL5A1 (collagen type V alpha 1 chain; plus strand). Cytogenetic location: 9q34.3.
Variant type: single nucleotide variant.
Coding change: c.194G>A on transcript NM_000093.5 (MANE Select); coding-DNA position 194, G replaced by A.
Protein change: p.Arg65Gln; replaces arginine 65 with glutamine.
Molecular consequence: missense variant.
Genome position (GRCh38, 1-based): chr9:134,690,996, G>A. VCF-style: chr9-134690996-G-A. GRCh37 (hg19) VCF-style: chr9-137582842-G-A.
Other names: p.R65Q:CGG>CAG; p.Arg65Gln; c.194G>A, p.Arg65Gln (NM_001278074.1); short protein forms R65Q.
Identifiers: ClinVar variation 213007 (VCV000213007.34), dbSNP rs116003670, ClinGen allele CA319798.